The following is an entry in ClinVar:

ClinVar aggregate classification (germline): Uncertain significance (1 of 4 stars; one submission).

Submission:

Labcorp Genetics (formerly Invitae), Labcorp
Classification: Uncertain significance. Last evaluated: 2021-10-21. Review status: criteria provided, single submitter. Criteria: Invitae Variant Classification Sherloc (09022015). Collection method: clinical testing. Allele origin: germline.
Comment: In summary, the available evidence is currently insufficient to determine the role of this variant in disease. Therefore, it has been classified as a Variant of Uncertain Significance. This variant has not been reported in the literature in individuals affected with GNB1-related conditions. This variant results in a copy number gain of the genomic region encompassing exon(s) 10-11 of the GNB1 gene. This region includes the termination codon of the gene. This copy number gain extends beyond the assayed region for this gene and therefore may encompass additional genes. As the precise location of this event is unknown, it may be in tandem or it may be located elsewhere in the genome.

NC_000001.10:g.(?_1718770)_(1720728_?)dup

Gene: GNB1 (G protein subunit beta 1; minus strand). Cytogenetic location: 1p36.33.
Variant type: Duplication.
Identifiers: ClinVar variation 1374032 (VCV001374032.4).